The following is an entry in ClinVar:

ClinVar aggregate classification (germline): Uncertain significance (1 of 4 stars; one submission).

Conditions:
Congenital myotonia, autosomal dominant form (THD). Also called: THOMSEN DISEASE; Myotonia congenita autosomal dominant. Identifiers: Orphanet 614, MedGen C2936781, MONDO:0008055, OMIM 160800.

Allele frequency attached by ClinVar (database versions not stated): gnomAD exomes below 0.00001; ExAC 0.00001.
gnomAD v4.1: 6 of 1,614,218 alleles (0.00037%); highest among the groups gnomAD compares: South Asian, 0.0066%; no homozygotes.

Submission:

Neuberg Centre For Genomic Medicine, NCGM
Classification: Uncertain significance for Congenital myotonia, autosomal dominant form. Review status: criteria provided, single submitter. Criteria: ACMG Guidelines, 2015. Collection method: clinical testing. Allele origin: germline. Inheritance: Autosomal dominant inheritance. Affected: yes.
Comment: The variant has not been reported previously as a pathogenic variant nor as a benign variant, to our knowledge. It is present in heterozygous state in two alleles in the gnomAD database (0.0007%).The amino acid Gln at position 154 is changed to a His changing protein sequence and it might alter its composition and physico-chemical properties. In silico tools predict the variant to be tolerated. The residue is conserved across species. The amino acid change p.Gln154His in CLCN1 is predicted as conserved by GERP++ and PhyloP across 100 vertebrates. The p.Gln154His variant is novel (not in any individuals) in 1000 Genomes. For these reasons, this variant has been classified as uncertain significance .

NM_000083.3(CLCN1):c.462G>C (p.Gln154His)

Gene: CLCN1 (chloride voltage-gated channel 1; plus strand). Cytogenetic location: 7q34.
Variant type: single nucleotide variant.
Coding change: c.462G>C on transcript NM_000083.3 (MANE Select); coding-DNA position 462, G replaced by C.
Protein change: p.Gln154His; replaces glutamine 154 with histidine.
Molecular consequence: missense variant. On other transcripts: non-coding transcript variant (1).
Genome position (GRCh38, 1-based): chr7:143,321,393, G>C. VCF-style: chr7-143321393-G-C. GRCh37 (hg19) VCF-style: chr7-143018486-G-C.
Other names: short protein forms Q154H.
Identifiers: ClinVar variation 2584899 (VCV002584899.1), dbSNP rs771642243, ClinGen allele CA4536964.